The following is an entry in ClinVar:

ClinVar aggregate classification (germline): Uncertain significance (1 of 4 stars; one submission).

Conditions:
Cardiovascular phenotype. Identifiers: MedGen CN230736.

gnomAD v4.1: 3 of 1,553,844 alleles (0.00019%); highest among the groups gnomAD compares: South Asian, 0.0023%; no homozygotes.

Submission:

Ambry Genetics
Classification: Uncertain significance for Cardiovascular phenotype. Last evaluated: 2023-10-02. Review status: criteria provided, single submitter. Criteria: Ambry Variant Classification Scheme 2023. Collection method: clinical testing. Allele origin: germline.
Comment: The p.D500N variant (also known as c.1498G>A), located in coding exon 2 of the TNXB gene, results from a G to A substitution at nucleotide position 1498. The aspartic acid at codon 500 is replaced by asparagine, an amino acid with highly similar properties. This amino acid position is conserved. In addition, this alteration is predicted to be tolerated by in silico analysis. Since supporting evidence is limited at this time, the clinical significance of this alteration remains unclear.

NM_001365276.2(TNXB):c.1498G>A (p.Asp500Asn)

Gene: TNXB (tenascin XB; minus strand). Cytogenetic location: 6p21.33.
Variant type: single nucleotide variant.
Coding change: c.1498G>A on transcript NM_001365276.2 (MANE Select); coding-DNA position 1498, G replaced by A.
Protein change: p.Asp500Asn; replaces aspartic acid 500 with asparagine.
Molecular consequence: missense variant.
Genome position (GRCh38, 1-based): chr6:32,096,355, C>T on the plus strand (G>A on the coding strand, the complement: TNXB is on the minus strand). VCF-style: chr6-32096355-C-T. GRCh37 (hg19) VCF-style: chr6-32064132-C-T.
Other names: c.1498G>A, p.Asp500Asn (NM_001428335.1, NM_019105.8); short protein forms D500N.
Identifiers: ClinVar variation 3227240 (VCV003227240.1), dbSNP rs777918124, ClinGen allele CA363480669.